The following is an entry in ClinVar:

ClinVar aggregate classification (somatic clinical impact): Tier I - Strong. Review status: criteria provided, single submitter (1 of 4 stars). 3 submissions from 1 submitter. 1 of the submissions does not count toward it. Last evaluated 2025-01-20.

Conditions:
Embryonal rhabdomyosarcoma (ERMS). Also called: Botryoid rhabdomyosarcoma (type of ERMS); Spindle cell rhabdomyosarcomas (type of ERMS). Identifiers: Orphanet 99757, MedGen C0206656, MONDO:0009993, HP:0006743.
Pineal parenchymal tumor of intermediate differentiation. Identifiers: Orphanet 251919, MedGen C1367859, MONDO:0006369.
Medulloblastoma non-WNT/non-SHH group 3. Identifiers: MedGen C4330665, MONDO:0956966.

Submissions (3):

Institute for Genomic Medicine (IGM) Clinical Laboratory, Nationwide Children's Hospital
Classification: Tier II - Potential for Embryonal rhabdomyosarcoma. Assertion type: diagnostic. Clinical significance: supports diagnosis. Last evaluated: 2025-10-27. Review status: criteria provided, single submitter. Criteria: AMP/ASCO/CAP Guidelines, 2017. Collection method: clinical testing. Allele origin: somatic. Affected: yes. Not counted in ClinVar's aggregate classification.
Comment: Variant has Tier II (potential) clinical significance as a diagnostic inclusion criterion in embryonal rhabdomyosarcoma, based on the following evidence: 1) Documented in one or more cancer databases (e.g., St. Jude Pecan, COSMIC, CIViC, OncoKB). 2) Assists in diagnosis alone or along with other biomarkers based on small studies or few case reports (Evidence Level D; PMIDs: 28726821, 33172502, 35000018).

Institute for Genomic Medicine (IGM) Clinical Laboratory, Nationwide Children's Hospital
Classification: Tier I - Strong for Pineal parenchymal tumor of intermediate differentiation. Assertion type: diagnostic. Clinical significance: supports diagnosis. Last evaluated: 2025-01-20. Review status: criteria provided, single submitter. Criteria: AMP/ASCO/CAP Guidelines, 2017. Collection method: clinical testing. Allele origin: somatic. Affected: yes.
Comment: Variant has Tier I (strong) clinical significance as a diagnostic inclusion criterion in pineal parenchymal tumor of intermediate differentiation, based on the following evidence: 1) Documented in one or more cancer databases (e.g., St. Jude Pecan, COSMIC, CIViC, OncoKB). 2) Appears in one or more well-established professional guidelines (e.g., World Health Organization [WHO]; National Comprehensive Cancer Network [NCCN]) as providing diagnostic, prognostic, or therapeutic information. 3) Information in the literature supports potential biologic effect of variant (PMID: 35379950). 4) Diagnostic for a specific tumor type/classification according to professional guidelines (Evidence Level A; PMIDs: 30877433, 31768671, 33619588, 31820118).

Institute for Genomic Medicine (IGM) Clinical Laboratory, Nationwide Children's Hospital
Classification: Tier I - Strong for Medulloblastoma non-WNT/non-SHH group 3. Assertion type: diagnostic. Clinical significance: supports diagnosis. Last evaluated: 2023-01-12. Review status: criteria provided, single submitter. Criteria: AMP/ASCO/CAP Guidelines, 2017. Collection method: clinical testing. Allele origin: somatic. Affected: yes.
Comment: Variant has Tier I (strong) clinical significance as a diagnostic inclusion criterion in medulloblastoma non-WNT/non-SHH group 3, based on the following evidence: 1) Documented in one or more cancer databases (e.g., St. Jude Pecan, COSMIC, CIViC, OncoKB). 2) Appears in one or more well-established professional guidelines (e.g., World Health Organization [WHO]; National Comprehensive Cancer Network [NCCN]) as providing diagnostic, prognostic, or therapeutic information. 3) Information in the literature supports potential biologic effect of variant (PMID: 35379950). 4) Diagnostic for a specific tumor type/classification based on well-powered studies with expert-level consensus (Evidence Level B; PMIDs: 28726821, 33172502).

Literature cited by the submitters: PubMed 28726821; PubMed 33172502; PubMed 35000018; PubMed 35379950; PubMed 30877433; PubMed 31768671; PubMed 33619588; PubMed 31820118.

NM_018095.6(KBTBD4):c.932_937dup (p.Arg312_Arg313insProArg)

Gene: KBTBD4 (kelch repeat and BTB domain containing 4; minus strand). Cytogenetic location: 11p11.2.
Variant type: Duplication.
Coding change: c.932_937dup on transcript NM_018095.6 (MANE Select); coding-DNA positions 932 to 937, 6 bases duplicated (CACGGC; older notation c.932_937dupCACGGC).
Protein change: p.Arg312_Arg313insProArg.
Genome position (GRCh38, 1-based): chr11:47,573,598-47,573,603, GCCGTG duplicated on the plus strand (CACGGC on the coding strand, the reverse complement: KBTBD4 is on the minus strand); duplicating any 6 consecutive bases within chr11:47,573,598-47,573,604 gives the same sequence; the c. name uses the placement nearest the transcript's 3' end. VCF-style (leftmost placement, unchanged base first): chr11-47573597-C-CGCCGTG. GRCh37 (hg19) VCF-style: chr11-47595149-C-CGCCGTG.
Other names: c.1031_1036dup, p.Arg345_Arg346insProArg (NM_001318716.2); c.1001_1006dup, p.Arg335_Arg336insProArg (NM_001318717.2); c.959_964dup, p.Arg321_Arg322insProArg (NM_001318718.2, NM_001318719.2); c.953_958dup, p.Arg319_Arg320insProArg (NM_001318720.2); c.884_889dup, p.Arg296_Arg297insProArg (NM_001318721.2, NM_001318722.2, NM_001318723.2 and 3 more transcripts).
Identifiers: ClinVar variation 4530468 (VCV004530468.1).